The following is an entry in ClinVar:

ClinVar aggregate classification (germline): Uncertain significance (1 of 4 stars; one submission).

Submission:

Mayo Clinic Laboratories, Mayo Clinic
Classification: Uncertain significance. Last evaluated: 2024-07-22. Review status: criteria provided, single submitter. Criteria: ACMG Guidelines, 2015. Collection method: clinical testing. Allele origin: germline. Observed: 1 variant allele.
Comment: BP4_moderate, PM2

NM_001101426.4(CRPPA):c.70G>C (p.Ala24Pro)

Genes: CRPPA (CDP-L-ribitol pyrophosphorylase A; minus strand), LOC129998005 (ATAC-STARR-seq lymphoblastoid silent region 17982; plus strand). Cytogenetic location: 7p21.2.
Variant type: single nucleotide variant.
Coding change: c.70G>C on transcript NM_001101426.4 (MANE Select); coding-DNA position 70, G replaced by C.
Protein change: p.Ala24Pro; replaces alanine 24 with proline.
Molecular consequence: missense variant. On other transcripts: non-coding transcript variant (1).
Genome position (GRCh38, 1-based): chr7:16,421,253, C>G on the plus strand (G>C on the coding strand, the complement: CRPPA is on the minus strand). VCF-style: chr7-16421253-C-G. GRCh37 (hg19) VCF-style: chr7-16460878-C-G.
Other names: p.Ala24Pro; c.70G>C, p.Ala24Pro (NM_001101417.4, NM_001368197.1); short protein forms A24P.
Identifiers: ClinVar variation 3379741 (VCV003379741.1).